The following is an entry in ClinVar:

NM_001032386.2(SUOX):c.1156G>A (p.Val386Met)

Gene: SUOX (sulfite oxidase; plus strand). Cytogenetic location: 12q13.2.
Variant type: single nucleotide variant.
Coding change: c.1156G>A on transcript NM_001032386.2 (MANE Select); coding-DNA position 1156, G replaced by A.
Protein change: p.Val386Met; replaces valine 386 with methionine.
Molecular consequence: missense variant.
Genome position (GRCh38, 1-based): chr12:56,004,545, G>A. VCF-style: chr12-56004545-G-A. GRCh37 (hg19) VCF-style: chr12-56398329-G-A.
Other names: c.1156G>A, p.Val386Met (NM_000456.3, NM_001032387.2); short protein forms V386M.
Identifiers: ClinVar variation 1717586 (VCV001717586.6), dbSNP rs775888022, ClinGen allele CA6621117.

ClinVar aggregate classification (germline): Uncertain significance (1 of 4 stars; one submission).

Conditions:
Sulfite oxidase deficiency. Also called: Isolated sulfite oxidase deficiency. Identifiers: Orphanet 833, Orphanet 99731, MedGen C0268624, MONDO:0010089, OMIM 272300, HP:0003643.

Allele frequency attached by ClinVar (database versions not stated): ExAC 0.00001.
gnomAD v4.1: 1 of 1,614,062 alleles (0.000062%); no homozygotes.

Submission:

Labcorp Genetics (formerly Invitae), Labcorp
Classification: Uncertain significance for Sulfite oxidase deficiency. Last evaluated: 2022-08-22. Review status: criteria provided, single submitter. Criteria: Invitae Variant Classification Sherloc (09022015). Collection method: clinical testing. Allele origin: germline.
Comment: In summary, the available evidence is currently insufficient to determine the role of this variant in disease. Therefore, it has been classified as a Variant of Uncertain Significance. Algorithms developed to predict the effect of missense changes on protein structure and function are either unavailable or do not agree on the potential impact of this missense change (SIFT: "Deleterious"; PolyPhen-2: "Probably Damaging"; Align-GVGD: "Class C15"). This variant has not been reported in the literature in individuals affected with SUOX-related conditions. This variant is present in population databases (rs775888022, gnomAD 0.0009%). This sequence change replaces valine, which is neutral and non-polar, with methionine, which is neutral and non-polar, at codon 386 of the SUOX protein (p.Val386Met).